The following is an entry in ClinVar:

NM_002471.4(MYH6):c.4026C>A (p.Cys1342Ter)

Gene: MYH6 (myosin heavy chain 6; minus strand). Cytogenetic location: 14q11.2.
Variant type: single nucleotide variant.
Coding change: c.4026C>A on transcript NM_002471.4 (MANE Select); coding-DNA position 4026, C replaced by A.
Protein change: p.Cys1342Ter; replaces cysteine 1342 with a stop codon.
Molecular consequence: nonsense.
Genome position (GRCh38, 1-based): chr14:23,389,008, G>T on the plus strand (C>A on the coding strand, the complement: MYH6 is on the minus strand). VCF-style: chr14-23389008-G-T. GRCh37 (hg19) VCF-style: chr14-23858217-G-T.
Other names: short protein forms C1342*.
Identifiers: ClinVar variation 191713 (VCV000191713.21), dbSNP rs141062252, ClinGen allele CA237348.

ClinVar aggregate classification (germline): Conflicting classifications of pathogenicity. Review status: criteria provided, conflicting classifications (1 of 4 stars). 5 submissions from 5 submitters: Uncertain significance (4); Likely benign (1). Last evaluated 2026-09-04.

Conditions:
MYH6-related disorder. Also called: MYH6-related condition; MYH6-Related Disorders.
Cardiovascular phenotype. Identifiers: MedGen CN230736.
Hypertrophic cardiomyopathy 14. Identifiers: MedGen C2750467, MONDO:0013197, OMIM 613251.

Allele frequency attached by ClinVar (database versions not stated): TOPMed 0.00005.
gnomAD v4.1: 78 of 1,613,094 alleles (0.0048%); highest among the groups gnomAD compares: Admixed American, 0.0067%; no homozygotes.

Submissions (5):

PreventionGenetics, part of Exact Sciences
Classification: Uncertain significance for MYH6-related condition. Last evaluated: 2026-09-04. Review status: criteria provided, single submitter. Criteria: ACMG Guidelines, 2015. Collection method: clinical testing. Allele origin: germline.
Comment: The MYH6 c.4026C>A variant is predicted to result in premature protein termination (p.Cys1342*). To our knowledge, this variant has not been reported in the literature. This variant is reported in 0.13% of alleles in individuals of Ashkenazi Jewish descent in gnomAD. Loss of function has not been conclusively established as a mechanism for MYH6-related disorders. At this time, the clinical significance of this variant is uncertain due to the absence of conclusive functional and genetic evidence.

Labcorp Genetics (formerly Invitae), Labcorp
Classification: Likely benign for Hypertrophic cardiomyopathy 14. Last evaluated: 2026-01-21. Review status: criteria provided, single submitter. Criteria: Invitae Variant Classification Sherloc (09022015). Collection method: clinical testing. Allele origin: germline.

GeneDx
Classification: Uncertain significance. Last evaluated: 2025-12-09. Review status: criteria provided, single submitter. Criteria: GeneDx Variant Classification Process June 2021. Collection method: clinical testing. Allele origin: germline. Affected: yes.
Comment: Nonsense variant predicted to result in protein truncation or nonsense mediated decay in a gene or region of a gene for which loss of function is not a well-established mechanism of disease; Has not been previously published as pathogenic or benign to our knowledge; This variant is associated with the following publications: (PMID: 23861362)

Ambry Genetics
Classification: Uncertain significance for Cardiovascular phenotype. Last evaluated: 2024-12-20. Review status: criteria provided, single submitter. Criteria: Ambry Variant Classification Scheme 2023. Collection method: clinical testing. Allele origin: germline.
Comment: The p.C1342* variant (also known as c.4026C>A), located in coding exon 27 of the MYH6 gene, results from a C to A substitution at nucleotide position 4026. This changes the amino acid from a cysteine to a stop codon within coding exon 27. This alteration is expected to result in premature protein truncation or nonsense-mediated mRNA decay. However, loss of function of MYH6 has not been clearly established as a mechanism of disease. Since supporting evidence is limited at this time, the clinical significance of this alteration remains unclear.

Biesecker Lab/Clinical Genomics Section, National Institutes of Health
Classification: Uncertain significance. Last evaluated: 2013-06-24. Review status: criteria provided, single submitter. Criteria: Ng et al. (Circ Cardiovasc Genet. 2013). Collection method: research. Allele origin: unknown. Observed: 1 variant allele. Study: ClinSeq.
Comment: The study set was not selected for affection status in relation to any cancer. Pathogenicity categories were based on literature curation. See Pubmed ID:23861362 for details.

Medical sequencing